The following is an entry in ClinVar:

NM_001267550.2(TTN):c.54717C>T (p.Gly18239=)

Genes: TTN (titin; minus strand), TTN-AS1 (TTN antisense RNA 1; plus strand). Cytogenetic location: 2q31.2.
Variant type: single nucleotide variant.
Coding change: c.54717C>T on transcript NM_001267550.2 (MANE Select); coding-DNA position 54717, C replaced by T.
Protein change: p.Gly18239=; no amino-acid change (glycine 18239 retained).
Molecular consequence: synonymous variant.
Genome position (GRCh38, 1-based): chr2:178,603,970, G>A on the plus strand (C>T on the coding strand, the complement: TTN is on the minus strand). VCF-style: chr2-178603970-G-A. GRCh37 (hg19) VCF-style: chr2-179468697-G-A.
Other names: c.49794C>T, p.Gly16598= (NM_001256850.1); c.27522C>T, p.Gly9174= (NM_003319.4); c.47013C>T, p.Gly15671= (NM_133378.4); c.27897C>T, p.Gly9299= (NM_133432.3); c.28098C>T, p.Gly9366= (NM_133437.4).
Identifiers: ClinVar variation 2163575 (VCV002163575.29), dbSNP rs368468642, ClinGen allele CA430269716.

ClinVar aggregate classification (germline): Conflicting classifications of pathogenicity. Review status: criteria provided, conflicting classifications (1 of 4 stars). 3 submissions from 3 submitters: Uncertain significance (1); Likely benign (2). Last evaluated 2025-11-25.

Conditions:
Cardiovascular phenotype. Identifiers: MedGen CN230736.
Dilated cardiomyopathy 1G (CMD1G). Identifiers: Orphanet 154, MedGen C1858763, MONDO:0011400, OMIM 604145.
Autosomal recessive limb-girdle muscular dystrophy type 2J (LGMDR10). Also called: Limb-girdle muscular dystrophy, type 2J; MUSCULAR DYSTROPHY, LIMB-GIRDLE, AUTOSOMAL RECESSIVE 10. Identifiers: Orphanet 140922, MedGen C1837342, MONDO:0012127, OMIM 608807.

gnomAD v4.1: 19 of 1,612,474 alleles (0.0012%); highest among the groups gnomAD compares: Middle Eastern, 0.016%; no homozygotes.

Submissions (3):

Labcorp Genetics (formerly Invitae), Labcorp
Classification: Likely benign for Dilated cardiomyopathy 1G; Autosomal recessive limb-girdle muscular dystrophy type 2J. Last evaluated: 2025-11-25. Review status: criteria provided, single submitter. Criteria: Invitae Variant Classification Sherloc (09022015). Collection method: clinical testing. Allele origin: germline.

Ambry Genetics
Classification: Uncertain significance for Cardiovascular phenotype. Last evaluated: 2023-12-22. Review status: criteria provided, single submitter. Criteria: Ambry Variant Classification Scheme 2023. Collection method: clinical testing. Allele origin: germline.
Comment: The c.27522C>T variant (also known as p.G9174G), located in coding exon 109 of the TTN gene, results from a C to T substitution at nucleotide position 27522. This nucleotide substitution does not change the glycine at codon 9174. This nucleotide position is poorly conserved in available vertebrate species. In silico splice site analysis for this alteration is inconclusive. Since supporting evidence is limited at this time, the clinical significance of this alteration remains unclear.

CeGaT Center for Human Genetics Tuebingen
Classification: Likely benign. Last evaluated: 2023-04-01. Review status: criteria provided, single submitter. Criteria: CeGaT Center For Human Genetics Tuebingen Variant Classification Criteria Version 2. Collection method: clinical testing. Allele origin: germline. Affected: yes. Observed: 1 variant allele.
Comment: TTN: BP4, BP7